The following is an entry in ClinVar:

NM_000268.4(NF2):c.1691A>G (p.Glu564Gly)

Gene: NF2 (NF2, moesin-ezrin-radixin like (MERLIN) tumor suppressor; plus strand). Cytogenetic location: 22q12.2.
Variant type: single nucleotide variant.
Coding change: c.1691A>G on transcript NM_000268.4 (MANE Select); coding-DNA position 1691, A replaced by G.
Protein change: p.Glu564Gly; replaces glutamic acid 564 with glycine.
Molecular consequence: missense variant. On other transcripts: non-coding transcript variant (1), intron variant (1).
Genome position (GRCh38, 1-based): chr22:29,681,555, A>G. VCF-style: chr22-29681555-A-G. GRCh37 (hg19) VCF-style: chr22-30077544-A-G.
Other names: c.1691A>G, p.Glu564Gly (NM_016418.5, NM_181825.3, NM_181832.3); c.1565A>G, p.Glu522Gly (NM_181828.3); c.1568A>G, p.Glu523Gly (NM_181829.3); c.1442A>G, p.Glu481Gly (NM_181830.3, NM_181831.3); c.448-13197A>G (NM_181833.3); short protein forms E522G, E523G, E564G, E481G.
Identifiers: ClinVar variation 1345426 (VCV001345426.10), dbSNP rs1416009957, ClinGen allele CA411150364.

ClinVar aggregate classification (germline): Uncertain significance. Review status: criteria provided, multiple submitters, no conflicts (2 of 4 stars). 3 submissions from 3 submitters: Uncertain significance (3). Last evaluated 2025-12-15.

Conditions:
Neurofibromatosis, type 2 (SWNV). Also called: SCHWANNOMATOSIS, VESTIBULAR; NF2-Related Schwannomatosis; BILATERAL ACOUSTIC NEUROFIBROMATOSIS. Identifiers: Orphanet 637, MedGen C0027832, MONDO:0007039, OMIM 101000. Disease mechanism: loss of function.
Hereditary cancer-predisposing syndrome. Also called: Neoplastic Syndromes, Hereditary; Tumor predisposition; Hereditary Cancer Syndrome; Hereditary neoplastic syndrome. Identifiers: Orphanet 140162, MedGen C0027672, MeSH D009386, MONDO:0015356.

Allele frequency attached by ClinVar (database versions not stated): TOPMed below 0.00001; gnomAD 0.00001; gnomAD exomes 0.00001.
gnomAD v4.1: 5 of 1,614,096 alleles (0.00031%); highest among the groups gnomAD compares: East Asian, 0.011%; no homozygotes.

Submissions (3):

Labcorp Genetics (formerly Invitae), Labcorp
Classification: Uncertain significance for Neurofibromatosis, type 2. Last evaluated: 2025-12-15. Review status: criteria provided, single submitter. Criteria: Invitae Variant Classification Sherloc (09022015). Collection method: clinical testing. Allele origin: germline.
Comment: This sequence change replaces glutamic acid, which is acidic and polar, with glycine, which is neutral and non-polar, at codon 564 of the NF2 protein (p.Glu564Gly). This variant is not present in population databases (gnomAD no frequency). This variant has not been reported in the literature in individuals affected with NF2-related conditions. ClinVar contains an entry for this variant (Variation ID: 1345426). Invitae Evidence Modeling of protein sequence and biophysical properties (such as structural, functional, and spatial information, amino acid conservation, physicochemical variation, residue mobility, and thermodynamic stability) indicates that this missense variant is not expected to disrupt NF2 protein function with a negative predictive value of 80%. In summary, the available evidence is currently insufficient to determine the role of this variant in disease. Therefore, it has been classified as a Variant of Uncertain Significance.

Ambry Genetics
Classification: Uncertain significance for Hereditary cancer-predisposing syndrome. Last evaluated: 2025-07-31. Review status: criteria provided, single submitter. Criteria: Ambry Variant Classification Scheme 2023. Collection method: clinical testing. Allele origin: germline.
Comment: The p.E564G variant (also known as c.1691A>G), located in coding exon 15 of the NF2 gene, results from an A to G substitution at nucleotide position 1691. The glutamic acid at codon 564 is replaced by glycine, an amino acid with similar properties. This amino acid position is well conserved in available vertebrate species. In addition, the in silico prediction for this alteration is inconclusive. Based on the available evidence, the clinical significance of this variant remains unclear.

All of Us Research Program, National Institutes of Health
Classification: Uncertain significance for Neurofibromatosis, type 2. Last evaluated: 2023-11-30. Review status: criteria provided, single submitter. Criteria: ACMG Guidelines, 2015. Collection method: clinical testing. Allele origin: germline. Inheritance: Autosomal dominant inheritance. Observed: 1 variant allele, 1 heterozygote.
Comment: This study involves interpretation of variants in research participants for the purpose of population health screening. Participant phenotype was not available at the time of variant classification. Additional details can be found in publication PMID: 35346344, PMCID: PMC8962531